The following is an entry in ClinVar:

NM_020921.4(NIN):c.5775+5G>T

Gene: NIN (ninein; minus strand). Cytogenetic location: 14q22.1.
Variant type: single nucleotide variant.
Coding change: c.5775+5G>T on transcript NM_020921.4 (MANE Select); 5 bases into the intron after coding-DNA position 5775, G replaced by T.
Molecular consequence: intron variant.
Genome position (GRCh38, 1-based): chr14:50,738,135, C>A on the plus strand (G>T on the coding strand, the complement: NIN is on the minus strand). VCF-style: chr14-50738135-C-A. GRCh37 (hg19) VCF-style: chr14-51204853-C-A.
Other names: NC_000014.8:g.51204853C>A; c.3636+5G>T (NM_016350.5); c.5775+5G>T (NM_182946.2, NM_182944.3).
Identifiers: ClinVar variation 4397195 (VCV004397195.2).

ClinVar aggregate classification (germline): Uncertain significance (1 of 4 stars; one submission).

gnomAD v4.1: 47 of 1,613,758 alleles (0.0029%); highest among the groups gnomAD compares: Middle Eastern, 0.033%; no homozygotes.

Submissions (2):

Labcorp Genetics (formerly Invitae), Labcorp
Classification: Uncertain significance. Last evaluated: 2025-10-03. Review status: criteria provided, single submitter. Criteria: Invitae Variant Classification Sherloc (09022015). Collection method: clinical testing. Allele origin: germline.
Comment: This sequence change falls in intron 27 of the NIN gene. It does not directly change the encoded amino acid sequence of the NIN protein. It affects a nucleotide within the consensus splice site. This variant is present in population databases (rs369148615, gnomAD 0.006%). This variant has not been reported in the literature in individuals affected with NIN-related conditions. Variants that disrupt the consensus splice site are a relatively common cause of aberrant splicing (PMID: 17576681, 9536098). Algorithms developed to predict the effect of sequence changes on RNA splicing suggest that this variant may disrupt the consensus splice site. In summary, the available evidence is currently insufficient to determine the role of this variant in disease. Therefore, it has been classified as a Variant of Uncertain Significance.

Dr. Peter K. Rogan Lab, Western University
No classification provided (evidence only). Condition: Clear cell carcinoma of kidney. Review status: no classification provided. Collection method: in vitro. Allele origin: not applicable. Functional consequence: skipped exon. Not counted in ClinVar's aggregate classification.

Literature cited by the submitters: PubMed 17576681 (cited by Labcorp Genetics (formerly Invitae), Labcorp); PubMed 9536098 (cited by Labcorp Genetics (formerly Invitae), Labcorp).